The following is an entry in ClinVar:

NM_000169.3(GLA):c.43G>C (p.Ala15Pro)

Genes: GLA (galactosidase alpha; minus strand), RPL36A-HNRNPH2 (RPL36A-HNRNPH2 readthrough; plus strand). Cytogenetic location: Xq22.1.
Variant type: single nucleotide variant.
Coding change: c.43G>C on transcript NM_000169.3 (MANE Select); coding-DNA position 43, G replaced by C.
Protein change: p.Ala15Pro; replaces alanine 15 with proline.
Molecular consequence: missense variant. On other transcripts: non-coding transcript variant (3), intron variant (2).
Genome position (GRCh38, 1-based): chrX:101,407,861, C>G on the plus strand (G>C on the coding strand, the complement: GLA is on the minus strand). VCF-style: chrX-101407861-C-G. GRCh37 (hg19) VCF-style: chrX-100662849-C-G.
Other names: c.43G>C, p.Ala15Pro (NM_001406747.1, NM_001406748.1, NM_001406749.1); c.301-4075C>G (NM_001199973.2); c.178-4075C>G (NM_001199974.2); short protein forms A15P.
Identifiers: ClinVar variation 4087279 (VCV004087279.2), dbSNP rs869312303.
Genomic context (GRCh38, chrX:101,407,861, plus strand): 5'-CATTGTCCAGTGCTCTAGCCCCAGGGATGTCCCAGGAAACGAGGGCCAGGAAGCGAAGCG[C>G]AAGCGCGCAGCCCAGATGTAGTTCTGGGTTCCTCAGCTGCATTGTCACGGTGACCGGACA-3'
Protein context (NP_000160.1, residues 5-25): NPELHLGCAL[Ala15Pro]LRFLALVSWD

ClinVar aggregate classification (germline): Likely pathogenic (1 of 4 stars; one submission).

Conditions:
Fabry disease. Also called: ALPHA-GALACTOSIDASE A DEFICIENCY; ANDERSON-FABRY DISEASE; CERAMIDE TRIHEXOSIDASE DEFICIENCY; GLA DEFICIENCY; HEREDITARY DYSTOPIC LIPIDOSIS; Angiokeratoma corporis diffusum. Identifiers: Orphanet 324, MedGen C0002986, MONDO:0010526, OMIM 301500, HP:0001071. Disease mechanism: Fabry disease is due to inactivating mutations in the X-linked GLA gene resulting in deficiency of the enzyme Alpha Galactosidase-A., loss of function.

Submission:

Genomenon, Inc
Classification: Likely pathogenic for Fabry disease. Last evaluated: 2026-09-08. Review status: criteria provided, single submitter. Criteria: Genomenon Sequence Variant Interpretation Standards - Updated. Collection method: curation. Allele origin: germline. Affected: yes.
Comment: GLA p.Ala15Pro (c.43G>C) is a missense variant that changes the amino acid at codon 15 from Alanine to Proline. This variant has been observed in at least one proband with clinical features consistent with Fabry disease (PMID:22551898). At least one functional study has demonstrated a substantial alteration in protein function relative to the wild-type (PMID:32023956;27657681). It is absent or not present at a significant frequency in gnomAD. In conclusion, we classify GLA p.Ala15Pro (c.43G>C) as a likely pathogenic variant.

Literature cited by the submitters: PubMed 22551898; PubMed 32023956; PubMed 27657681.